The following is an entry in ClinVar:

ClinVar aggregate classification (germline): Uncertain significance. Review status: criteria provided, multiple submitters, no conflicts (2 of 4 stars). 2 submissions from 2 submitters: Uncertain significance (2). Last evaluated 2024-06-10.

Conditions:
Hypertrophic cardiomyopathy. Also called: HYPERTROPHIC MYOCARDIOPATHY. Identifiers: Orphanet 217569, MedGen C0007194, MeSH D002312, MONDO:0005045, HP:0001639.

Allele frequency attached by ClinVar (database versions not stated): TOPMed below 0.00001; gnomAD 0.00001.
gnomAD v4.1: 1 of 1,612,198 alleles (0.000062%); highest among the groups gnomAD compares: Non-Finnish European, 0.000085%; no homozygotes.

Submissions (2):

Blueprint Genetics
Classification: Uncertain significance. Last evaluated: 2024-06-10. Review status: criteria provided, single submitter. Criteria: ACMG Guidelines, 2015. Collection method: clinical testing. Allele origin: germline.

Labcorp Genetics (formerly Invitae), Labcorp
Classification: Uncertain significance for Hypertrophic cardiomyopathy. Last evaluated: 2023-06-21. Review status: criteria provided, single submitter. Criteria: Invitae Variant Classification Sherloc (09022015). Collection method: clinical testing. Allele origin: germline.
Comment: Advanced modeling of protein sequence and biophysical properties (such as structural, functional, and spatial information, amino acid conservation, physicochemical variation, residue mobility, and thermodynamic stability) performed at Invitae indicates that this missense variant is expected to disrupt MYH7 protein function. In summary, the available evidence is currently insufficient to determine the role of this variant in disease. Therefore, it has been classified as a Variant of Uncertain Significance. This variant has not been reported in the literature in individuals affected with MYH7-related conditions. This variant is not present in population databases (gnomAD no frequency). This sequence change replaces lysine, which is basic and polar, with glutamine, which is neutral and polar, at codon 1107 of the MYH7 protein (p.Lys1107Gln).

NM_000257.4(MYH7):c.3319A>C (p.Lys1107Gln)

Gene: MYH7 (myosin heavy chain 7; minus strand). Cytogenetic location: 14q11.2.
Variant type: single nucleotide variant.
Coding change: c.3319A>C on transcript NM_000257.4 (MANE Select); coding-DNA position 3319, A replaced by C.
Protein change: p.Lys1107Gln; replaces lysine 1107 with glutamine.
Molecular consequence: missense variant.
Genome position (GRCh38, 1-based): chr14:23,420,975, T>G on the plus strand (A>C on the coding strand, the complement: MYH7 is on the minus strand). VCF-style: chr14-23420975-T-G. GRCh37 (hg19) VCF-style: chr14-23890184-T-G.
Other names: c.3319A>C, p.Lys1107Gln (NM_001407004.1); short protein forms K1107Q.
Identifiers: ClinVar variation 2809864 (VCV002809864.4), dbSNP rs1232767641, ClinGen allele CA389044347.